The following is an entry in ClinVar:

NM_021098.3(CACNA1H):c.3059C>A (p.Ala1020Glu)

Gene: CACNA1H (calcium voltage-gated channel subunit alpha1 H; plus strand). Cytogenetic location: 16p13.3.
Variant type: single nucleotide variant.
Coding change: c.3059C>A on transcript NM_021098.3 (MANE Select); coding-DNA position 3059, C replaced by A.
Protein change: p.Ala1020Glu; replaces alanine 1020 with glutamic acid.
Molecular consequence: missense variant.
Genome position (GRCh38, 1-based): chr16:1,207,426, C>A. VCF-style: chr16-1207426-C-A. GRCh37 (hg19) VCF-style: chr16-1257426-C-A.
Other names: c.3059C>A, p.Ala1020Glu (NM_001005407.2); short protein forms A1020E.
Identifiers: ClinVar variation 529558 (VCV000529558.11), dbSNP rs771994752, ClinGen allele CA394170545.

ClinVar aggregate classification (germline): Uncertain significance. Review status: criteria provided, multiple submitters, no conflicts (2 of 4 stars). 2 submissions from 2 submitters: Uncertain significance (2). Last evaluated 2024-03-11.

Conditions:
Epilepsy, childhood absence, susceptibility to, 6. Identifiers: Orphanet 64280, MedGen C2749872, MONDO:0012763, OMIM 611942.
Hyperaldosteronism, familial, type IV (HALD4). Also called: FH IV; ALDOSTERONISM, PRIMARY, AND HYPERTENSION. Identifiers: Orphanet 642671, MedGen C4310756, MONDO:0014875, OMIM 617027.
Idiopathic generalized epilepsy. Also called: EIG; Generalised epilepsy. Identifiers: MedGen C0270850, MONDO:0005579, OMIM 600669.

Allele frequency attached by ClinVar (database versions not stated): TOPMed 0.00001.
gnomAD v4.1: 7 of 1,612,346 alleles (0.00043%); highest among the groups gnomAD compares: Non-Finnish European, 0.00059%; no homozygotes.

Submissions (2):

Fulgent Genetics
Classification: Uncertain significance for Epilepsy, childhood absence, susceptibility to, 6; Hyperaldosteronism, familial, type IV. Last evaluated: 2024-03-11. Review status: criteria provided, single submitter. Criteria: ACMG Guidelines, 2015. Collection method: clinical testing. Allele origin: germline.

Labcorp Genetics (formerly Invitae), Labcorp
Classification: Uncertain significance for Idiopathic generalized epilepsy; Hyperaldosteronism, familial, type IV. Last evaluated: 2022-02-09. Review status: criteria provided, single submitter. Criteria: Invitae Variant Classification Sherloc (09022015). Collection method: clinical testing. Allele origin: germline.
Comment: This sequence change replaces alanine, which is neutral and non-polar, with glutamic acid, which is acidic and polar, at codon 1020 of the CACNA1H protein (p.Ala1020Glu). This variant is present in population databases (no rsID available, gnomAD 0.0009%). This variant has not been reported in the literature in individuals affected with CACNA1H-related conditions. ClinVar contains an entry for this variant (Variation ID: 529558). Algorithms developed to predict the effect of missense changes on protein structure and function (SIFT, PolyPhen-2, Align-GVGD) all suggest that this variant is likely to be disruptive. In summary, the available evidence is currently insufficient to determine the role of this variant in disease. Therefore, it has been classified as a Variant of Uncertain Significance.